The following is an entry in ClinVar:

NM_144997.7(FLCN):c.464C>T (p.Thr155Ile)

Gene: FLCN (folliculin; minus strand). Cytogenetic location: 17p11.2.
Variant type: single nucleotide variant.
Coding change: c.464C>T on transcript NM_144997.7 (MANE Select); coding-DNA position 464, C replaced by T.
Protein change: p.Thr155Ile; replaces threonine 155 with isoleucine.
Molecular consequence: missense variant.
Genome position (GRCh38, 1-based): chr17:17,224,076, G>A on the plus strand (C>T on the coding strand, the complement: FLCN is on the minus strand). VCF-style: chr17-17224076-G-A. GRCh37 (hg19) VCF-style: chr17-17127390-G-A.
Other names: c.518C>T, p.Thr173Ile (NM_001353229.2); c.464C>T, p.Thr155Ile (NM_001353230.2, NM_001353231.2, NM_144606.7); short protein forms T173I, T155I.
Identifiers: ClinVar variation 1742171 (VCV001742171.2), dbSNP rs2047178844, ClinGen allele CA398534501.

ClinVar aggregate classification (germline): Uncertain significance (1 of 4 stars; one submission).

Conditions:
Hereditary cancer-predisposing syndrome. Also called: Hereditary Cancer Syndrome; Hereditary neoplastic syndrome; Neoplastic Syndromes, Hereditary; Tumor predisposition. Identifiers: Orphanet 140162, MedGen C0027672, MeSH D009386, MONDO:0015356.

Allele frequency attached by ClinVar (database versions not stated): gnomAD exomes below 0.00001.
gnomAD v4.1: 1 of 1,613,424 alleles (0.000062%); highest among the groups gnomAD compares: Non-Finnish European, 0.000085%; no homozygotes.

Submission:

Ambry Genetics
Classification: Uncertain significance for Hereditary cancer-predisposing syndrome. Last evaluated: 2021-03-30. Review status: criteria provided, single submitter. Criteria: Ambry Variant Classification Scheme 2023. Collection method: clinical testing. Allele origin: germline.
Comment: The p.T155I variant (also known as c.464C>T), located in coding exon 3 of the FLCN gene, results from a C to T substitution at nucleotide position 464. The threonine at codon 155 is replaced by isoleucine, an amino acid with similar properties. This amino acid position is highly conserved in available vertebrate species. In addition, this alteration is predicted to be deleterious by in silico analysis. Since supporting evidence is limited at this time, the clinical significance of this alteration remains unclear.